The following is an entry in ClinVar:

ClinVar aggregate classification (germline): Uncertain significance. Review status: criteria provided, multiple submitters, no conflicts (2 of 4 stars). 2 submissions from 2 submitters: Uncertain significance (2). Last evaluated 2025-12-16.

Conditions:
Cataract 20 multiple types (CTRCT20). Also called: Membranous cataract. Identifiers: Orphanet 91492, MedGen C0524524, MONDO:0007284, OMIM 116100, HP:0010922.
CRYGS-related disorder. Also called: CRYGS-related condition.

Submissions (2):

Labcorp Genetics (formerly Invitae), Labcorp
Classification: Uncertain significance for Cataract 20 multiple types. Last evaluated: 2025-12-16. Review status: criteria provided, single submitter. Criteria: Invitae Variant Classification Sherloc (09022015). Collection method: clinical testing. Allele origin: germline.
Comment: This sequence change replaces arginine, which is basic and polar, with glutamine, which is neutral and polar, at codon 125 of the CRYGS protein (p.Arg125Gln). This variant is present in population databases (rs570966753, gnomAD 0.005%). This variant has not been reported in the literature in individuals affected with CRYGS-related conditions. ClinVar contains an entry for this variant (Variation ID: 2629550). An algorithm developed to predict the effect of missense changes on protein structure and function (PolyPhen-2) suggests that this variant is likely to be tolerated. In summary, the available evidence is currently insufficient to determine the role of this variant in disease. Therefore, it has been classified as a Variant of Uncertain Significance.

PreventionGenetics, part of Exact Sciences
Classification: Uncertain significance for CRYGS-related condition. Last evaluated: 2023-08-18. Review status: criteria provided, single submitter. Criteria: ACMG Guidelines, 2015. Collection method: clinical testing. Allele origin: germline.
Comment: The CRYGS c.374G>A variant is predicted to result in the amino acid substitution p.Arg125Gln. To our knowledge, this variant has not been reported in the literature. This variant is reported in 0.0053% of alleles in individuals of European (Non-Finnish) descent in gnomAD. At this time, the clinical significance of this variant is uncertain due to the absence of conclusive functional and genetic evidence.

NM_017541.4(CRYGS):c.374G>A (p.Arg125Gln)

Gene: CRYGS (crystallin gamma S; minus strand). Cytogenetic location: 3q27.3.
Variant type: single nucleotide variant.
Coding change: c.374G>A on transcript NM_017541.4 (MANE Select); coding-DNA position 374, G replaced by A.
Protein change: p.Arg125Gln; replaces arginine 125 with glutamine.
Molecular consequence: missense variant.
Genome position (GRCh38, 1-based): chr3:186,538,859, C>T on the plus strand (G>A on the coding strand, the complement: CRYGS is on the minus strand). VCF-style: chr3-186538859-C-T. GRCh37 (hg19) VCF-style: chr3-186256648-C-T.
Other names: short protein forms R125Q.
Identifiers: ClinVar variation 2629550 (VCV002629550.2), dbSNP rs570966753, ClinGen allele CA2743852.